The following is an entry in ClinVar:

NM_194302.4(CFAP65):c.5518G>T (p.Glu1840Ter)

Genes: CFAP65 (cilia and flagella associated protein 65; minus strand), LOC100129175 (uncharacterized LOC100129175; plus strand). Cytogenetic location: 2q35.
Variant type: single nucleotide variant.
Coding change: c.5518G>T on transcript NM_194302.4 (MANE Select); coding-DNA position 5518, G replaced by T.
Protein change: p.Glu1840Ter; replaces glutamic acid 1840 with a stop codon.
Molecular consequence: nonsense.
Genome position (GRCh38, 1-based): chr2:219,003,989, C>A on the plus strand (G>T on the coding strand, the complement: CFAP65 is on the minus strand). VCF-style: chr2-219003989-C-A. GRCh37 (hg19) VCF-style: chr2-219868711-C-A.
Other names: short protein forms E1840*.
Identifiers: ClinVar variation 3256948 (VCV003256948.1).
Genomic context (GRCh38, chr2:219,003,989, plus strand): 5'-CTCACTGGGGCCTGGCTGCTCACCTTCTGATGGCCTCCTTCTCGTCCTGTTCTTGCTCCT[C>A]CTTCACCATGACATTCAGCTGCTGTTGCCACTGCCATTGCATGGACTCCTGGGACTCAGG-3'

ClinVar aggregate classification (germline): Likely pathogenic (1 of 4 stars; one submission).

Conditions:
Susceptibility to severe COVID-19.

gnomAD v4.1: 1 of 1,614,000 alleles (0.000062%); highest among the groups gnomAD compares: Admixed American, 0.0017%; no homozygotes.

Submission:

Molecular Medicine Center, Medical University of Sofia
Classification: Likely pathogenic for Susceptibility to severe COVID-19. Last evaluated: 2024-07-22. Review status: criteria provided, single submitter. Criteria: ACMG Guidelines, 2015. Collection method: research. Allele origin: germline. Affected: yes.
Comment: Novel (unreported in gnomAD or dbSNP until April 2024) variant found in severely infected COVID-19 Bulgarian patients in a research study. Variant is classified as likely pathogenic according to the ACMG criteria: PM2,PVS1.